The following is an entry in ClinVar:

ClinVar aggregate classification (germline): Likely benign. Review status: criteria provided, single submitter (1 of 4 stars). 2 submissions from 2 submitters: Likely benign (1). 1 of the submissions does not count toward it. Last evaluated 2024-07-25.

Conditions:
ENPP1-related disorder. Also called: ENPP1-related disorders; ENPP1-related condition.

Allele frequency attached by ClinVar (database versions not stated): TOPMed below 0.00001; gnomAD 0.00001; gnomAD exomes 0.00001.
gnomAD v4.1: 9 of 1,610,062 alleles (0.00056%); highest among the groups gnomAD compares: East Asian, 0.0045%; no homozygotes.

Submissions (2):

Blueprint Genetics
Classification: Likely benign. Last evaluated: 2024-07-25. Review status: criteria provided, single submitter. Criteria: ACMG Guidelines, 2015. Collection method: clinical testing. Allele origin: germline.

PreventionGenetics, part of Exact Sciences
Classification: Likely benign for ENPP1-related condition. Last evaluated: 2023-12-06. Review status: no assertion criteria provided. Collection method: clinical testing. Allele origin: germline. Not counted in ClinVar's aggregate classification.
Comment: This variant is classified as likely benign based on ACMG/AMP sequence variant interpretation guidelines (Richards et al. 2015 PMID: 25741868, with internal and published modifications).

NM_006208.3(ENPP1):c.*6T>C

Gene: ENPP1 (ectonucleotide pyrophosphatase/phosphodiesterase 1; plus strand). Cytogenetic location: 6q23.2.
Variant type: single nucleotide variant.
Coding change: c.*6T>C on transcript NM_006208.3 (MANE Select); 6 bases downstream of the stop codon, T replaced by C.
Molecular consequence: 3 prime UTR variant.
Genome position (GRCh38, 1-based): chr6:131,890,517, T>C. VCF-style: chr6-131890517-T-C. GRCh37 (hg19) VCF-style: chr6-132211657-T-C.
Identifiers: ClinVar variation 3059279 (VCV003059279.3), dbSNP rs955448760, ClinGen allele CA147908722.